The following is an entry in ClinVar:

NM_000093.5(COL5A1):c.3258G>T (p.Ala1086=)

Gene: COL5A1 (collagen type V alpha 1 chain; plus strand). Cytogenetic location: 9q34.3.
Variant type: single nucleotide variant.
Coding change: c.3258G>T on transcript NM_000093.5 (MANE Select); coding-DNA position 3258, G replaced by T.
Protein change: p.Ala1086=; no amino-acid change (alanine 1086 retained).
Molecular consequence: synonymous variant.
Genome position (GRCh38, 1-based): chr9:134,805,214, G>T. VCF-style: chr9-134805214-G-T. GRCh37 (hg19) VCF-style: chr9-137697060-G-T.
Other names: c.3258G>T (NM_000093.3); c.3258G>T, p.Ala1086= (NM_001278074.1).
Identifiers: ClinVar variation 2140847 (VCV002140847.6), dbSNP rs372844807, ClinGen allele CA467656969.

ClinVar aggregate classification (germline): Uncertain significance. Review status: criteria provided, multiple submitters, no conflicts (2 of 4 stars). 2 submissions from 2 submitters: Uncertain significance (2). Last evaluated 2024-10-07.

Conditions:
Familial thoracic aortic aneurysm and aortic dissection (TAAD). Also called: Thoracic aortic aneurysms and dissections. Identifiers: Orphanet 91387, MedGen C4707243, MONDO:0019625.
Ehlers-Danlos syndrome, classic type, 1 (EDSCL1). Also called: Ehlers-Danlos Syndrome, Classic Type, COL5A1-Related; EHLERS-DANLOS SYNDROME, GRAVIS TYPE; EHLERS-DANLOS SYNDROME, SEVERE CLASSIC TYPE; Ehlers-Danlos syndrome, type 1; EDS I. Identifiers: MedGen C0268335, MONDO:0019567, OMIM 130000.

gnomAD v4.1: 1 of 1,613,896 alleles (0.000062%); highest among the groups gnomAD compares: Non-Finnish European, 0.000085%; no homozygotes.

Submissions (2):

Labcorp Genetics (formerly Invitae), Labcorp
Classification: Uncertain significance for Ehlers-Danlos syndrome, classic type, 1. Last evaluated: 2024-10-07. Review status: criteria provided, single submitter. Criteria: Invitae Variant Classification Sherloc (09022015). Collection method: clinical testing. Allele origin: germline.
Comment: This sequence change affects codon 1086 of the COL5A1 mRNA. It is a 'silent' change, meaning that it does not change the encoded amino acid sequence of the COL5A1 protein. This variant also falls at the last nucleotide of exon 41, which is part of the consensus splice site for this exon. This variant is not present in population databases (gnomAD no frequency). This variant has been observed in individual(s) with clinical features of Ehlers-Danlos syndrome (internal data). ClinVar contains an entry for this variant (Variation ID: 2140847). Variants that disrupt the consensus splice site are a relatively common cause of aberrant splicing (PMID: 17576681, 9536098). Algorithms developed to predict the effect of sequence changes on RNA splicing suggest that this variant may disrupt the consensus splice site. In summary, the available evidence is currently insufficient to determine the role of this variant in disease. Therefore, it has been classified as a Variant of Uncertain Significance.

Ambry Genetics
Classification: Uncertain significance for Familial thoracic aortic aneurysm and aortic dissection. Last evaluated: 2023-08-24. Review status: criteria provided, single submitter. Criteria: Ambry Variant Classification Scheme 2023. Collection method: clinical testing. Allele origin: germline.
Comment: The c.3258G>T variant (also known as p.A1086A), located in coding exon 41 of the COL5A1 gene, results from a G to T substitution at nucleotide position 3258. This nucleotide substitution does not change the alanine at codon 1086. However, this change occurs in the last base pair of coding exon 41, which makes it likely to have some effect on normal mRNA splicing. This nucleotide position is not well conserved in available vertebrate species. In silico splice site analysis for this alteration is inconclusive. Since supporting evidence is limited at this time, the clinical significance of this alteration remains unclear.

Literature cited by the submitters: PubMed 17576681 (cited by Labcorp Genetics (formerly Invitae), Labcorp); PubMed 9536098 (cited by Labcorp Genetics (formerly Invitae), Labcorp).